The following is an entry in ClinVar:

NM_182931.3(KMT2E):c.71+1G>C

Gene: KMT2E (lysine methyltransferase 2E (inactive); plus strand). Cytogenetic location: 7q22.3.
Variant type: single nucleotide variant.
Coding change: c.71+1G>C on transcript NM_182931.3 (MANE Select); the canonical splice donor site of the intron after coding-DNA position 71, G replaced by C.
Molecular consequence: splice donor variant.
Genome position (GRCh38, 1-based): chr7:105,041,024, G>C. VCF-style: chr7-105041024-G-C. GRCh37 (hg19) VCF-style: chr7-104681471-G-C.
Other names: c.71+1G>C (NM_001410908.1, NM_018682.4).
Identifiers: ClinVar variation 3376544 (VCV003376544.2).
Genomic context (GRCh38, chr7:105,041,024, plus strand): 5'-GATCCCATTGGGGGTTGATACAGCAGAGACGTCATACTTGGAAATGGCTGCAGGTTCAGA[G>C]TAAGTATTTAAATTGGTTACATAAGCAAAAAAAAAAAAAAAACCCTTCTGGAGCTAGAAA-3'

ClinVar aggregate classification (germline): Pathogenic (1 of 4 stars; one submission).

Conditions:
O'Donnell-Luria-Rodan syndrome (ODLURO). Also called: KMT2E-Related Neurodevelopmental Disorder. Identifiers: MedGen C5193138, MONDO:0032793, OMIM 618512.

Submission:

Translational Cytogenomics Research Unit, Bambino Gesu Children Hospital
Classification: Pathogenic for O'Donnell-Luria-Rodan syndrome. Last evaluated: 2024-11-12. Review status: criteria provided, single submitter. Criteria: ACMG Guidelines, 2015. Collection method: clinical testing. Allele origin: de novo. Affected: yes.
Comment: Null variant (intronic within ±2 of splice site) in gene KMT2E. Loss-of-function is a known mechanism of disease (gene has 104 reported pathogenic LOF variants).This variant has been identified as a de novo. ACMG Criteria (PVS1, PM2, PS2)